The following is an entry in ClinVar:

NM_003070.5(SMARCA2):c.1373A>G (p.His458Arg)

Gene: SMARCA2 (SWI/SNF related BAF chromatin remodeling complex subunit ATPase 2; plus strand). Cytogenetic location: 9p24.3.
Variant type: single nucleotide variant.
Coding change: c.1373A>G on transcript NM_003070.5 (MANE Select); coding-DNA position 1373, A replaced by G.
Protein change: p.His458Arg; replaces histidine 458 with arginine.
Molecular consequence: missense variant.
Genome position (GRCh38, 1-based): chr9:2,058,316, A>G. VCF-style: chr9-2058316-A-G. GRCh37 (hg19) VCF-style: chr9-2058316-A-G.
Other names: c.1373A>G, p.His458Arg (NM_001289396.2, NM_001289397.2, NM_139045.4); short protein forms H458R.
Identifiers: ClinVar variation 4529597 (VCV004529597.1).

ClinVar aggregate classification (germline): Uncertain significance (1 of 4 stars; one submission).

Submission:

GeneDx
Classification: Uncertain significance. Last evaluated: 2025-05-15. Review status: criteria provided, single submitter. Criteria: GeneDx Variant Classification Process June 2021. Collection method: clinical testing. Allele origin: germline. Affected: yes.
Comment: Not observed at significant frequency in large population cohorts (gnomAD); In silico analysis supports that this missense variant has a deleterious effect on protein structure/function; Has not been previously published as pathogenic or benign to our knowledge